The following is an entry in ClinVar:

NM_001378452.1(ITPR1):c.5312G>C (p.Gly1771Ala)

Gene: ITPR1 (inositol 1,4,5-trisphosphate receptor type 1; plus strand). Cytogenetic location: 3p26.1.
Variant type: single nucleotide variant.
Coding change: c.5312G>C on transcript NM_001378452.1 (MANE Select); coding-DNA position 5312, G replaced by C.
Protein change: p.Gly1771Ala; replaces glycine 1771 with alanine.
Molecular consequence: missense variant.
Genome position (GRCh38, 1-based): chr3:4,733,179, G>C. VCF-style: chr3-4733179-G-C. GRCh37 (hg19) VCF-style: chr3-4774863-G-C.
Other names: c.5168G>C, p.Gly1723Ala (NM_001099952.4); c.5267G>C, p.Gly1756Ala (NM_001168272.2); c.5123G>C, p.Gly1708Ala (NM_002222.7); c.5267G>C (NM_001168272.1); short protein forms G1708A, G1723A, G1756A, G1771A.
Identifiers: ClinVar variation 1710701 (VCV001710701.8), dbSNP rs376656471, ClinGen allele CA2232280.

ClinVar aggregate classification (germline): Uncertain significance. Review status: criteria provided, multiple submitters, no conflicts (2 of 4 stars). 4 submissions from 4 submitters: Uncertain significance (4). Last evaluated 2025-03-17.

Conditions:
Inborn genetic diseases. Identifiers: MedGen C0950123, MeSH D030342.

Allele frequency attached by ClinVar (database versions not stated): gnomAD exomes below 0.00001; ExAC 0.00003; TOPMed 0.00005; gnomAD 0.00006; ESP Exome Variant Server 0.00008.
gnomAD v4.1: 11 of 1,613,910 alleles (0.00068%); highest among the groups gnomAD compares: African/African-American, 0.013%; no homozygotes.

Submissions (4):

Labcorp Genetics (formerly Invitae), Labcorp
Classification: Uncertain significance. Last evaluated: 2025-03-17. Review status: criteria provided, single submitter. Criteria: Invitae Variant Classification Sherloc (09022015). Collection method: clinical testing. Allele origin: germline.
Comment: This sequence change replaces glycine, which is neutral and non-polar, with alanine, which is neutral and non-polar, at codon 1708 of the ITPR1 protein (p.Gly1708Ala). This variant is present in population databases (rs376656471, gnomAD 0.01%). This variant has not been reported in the literature in individuals affected with ITPR1-related conditions. ClinVar contains an entry for this variant (Variation ID: 1710701). An algorithm developed to predict the effect of missense changes on protein structure and function (PolyPhen-2) suggests that this variant is likely to be tolerated. In summary, the available evidence is currently insufficient to determine the role of this variant in disease. Therefore, it has been classified as a Variant of Uncertain Significance.

Ambry Genetics
Classification: Uncertain significance for Inborn genetic diseases. Last evaluated: 2023-12-14. Review status: criteria provided, single submitter. Criteria: Ambry Variant Classification Scheme 2023. Collection method: clinical testing. Allele origin: germline.

Athena Diagnostics
Classification: Uncertain significance. Last evaluated: 2023-11-16. Review status: criteria provided, single submitter. Criteria: Athena Diagnostics Criteria. Collection method: clinical testing. Allele origin: unknown.
Comment: Available data are insufficient to determine the clinical significance of the variant at this time. The frequency of this variant in the general population is higher than would generally be expected for pathogenic variants in this gene. Computational tools predict that this variant is not damaging.

GeneDx
Classification: Uncertain significance. Last evaluated: 2022-10-03. Review status: criteria provided, single submitter. Criteria: GeneDx Variant Classification Process June 2021. Collection method: clinical testing. Allele origin: germline. Affected: yes.
Comment: Has not been previously published as pathogenic or benign to our knowledge; In silico analysis supports that this missense variant does not alter protein structure/function